The following is an entry in ClinVar:

ClinVar aggregate classification (germline): Uncertain significance (1 of 4 stars; one submission).

Submission:

GeneDx
Classification: Uncertain significance. Last evaluated: 2025-07-11. Review status: criteria provided, single submitter. Criteria: GeneDx Variant Classification Process June 2021. Collection method: clinical testing. Allele origin: germline. Affected: yes.
Comment: Not observed at significant frequency in large population cohorts (gnomAD); Has not been previously published as pathogenic or benign to our knowledge; Nonsense variant predicted to result in protein truncation or nonsense mediated decay in a gene or region of a gene for which loss-of-function is not an established mechanism of disease

NM_138348.6(OTULIN):c.520G>T (p.Gly174Ter)

Gene: OTULIN (OTU deubiquitinase with linear linkage specificity; plus strand). Cytogenetic location: 5p15.2.
Variant type: single nucleotide variant.
Coding change: c.520G>T on transcript NM_138348.6 (MANE Select); coding-DNA position 520, G replaced by T.
Protein change: p.Gly174Ter; replaces glycine 174 with a stop codon.
Molecular consequence: nonsense.
Genome position (GRCh38, 1-based): chr5:14,687,572, G>T. VCF-style: chr5-14687572-G-T. GRCh37 (hg19) VCF-style: chr5-14687681-G-T.
Other names: short protein forms G174*.
Identifiers: ClinVar variation 4685429 (VCV004685429.1).